The following is an entry in ClinVar:

ClinVar aggregate classification (germline): Likely pathogenic (1 of 4 stars; one submission).

Conditions:
Autosomal recessive limb-girdle muscular dystrophy type 2J (LGMDR10). Also called: Limb-girdle muscular dystrophy, type 2J; MUSCULAR DYSTROPHY, LIMB-GIRDLE, AUTOSOMAL RECESSIVE 10. Identifiers: Orphanet 140922, MedGen C1837342, MONDO:0012127, OMIM 608807.
Dilated cardiomyopathy 1G (CMD1G). Identifiers: Orphanet 154, MedGen C1858763, MONDO:0011400, OMIM 604145.

Submission:

Labcorp Genetics (formerly Invitae), Labcorp
Classification: Likely pathogenic for Dilated cardiomyopathy 1G; Autosomal recessive limb-girdle muscular dystrophy type 2J. Last evaluated: 2025-07-01. Review status: criteria provided, single submitter. Criteria: Invitae Variant Classification Sherloc (09022015). Collection method: clinical testing. Allele origin: germline.
Comment: This sequence change creates a premature translational stop signal (p.Ser11837Ilefs*7) in the TTN gene. While this is not anticipated to result in nonsense mediated decay, it is expected to create a truncated TTN protein. This variant is not present in population databases (gnomAD no frequency). This variant has not been reported in the literature in individuals affected with TTN-related conditions. This variant is located in the I band of TTN (PMID: 25589632). Truncating variants in this region have been reported in individuals affected with autosomal recessive centronuclear myopathy (PMID: 23975875, internal data). Truncating variants in this region have also been identified in individuals affected with autosomal dominant dilated cardiomyopathy and/or cardio-related conditions (PMID: 27869827, 32964742, internal data). In summary, the currently available evidence indicates that the variant is pathogenic, but additional data are needed to prove that conclusively. Therefore, this variant has been classified as Likely Pathogenic.

Literature cited by the submitters: PubMed 25589632; PubMed 23975875; PubMed 27869827; PubMed 32964742.

NM_001267550.2(TTN):c.35508dup (p.Ser11837fs)

Gene: TTN (titin; minus strand). Cytogenetic location: 2q31.2.
Variant type: Duplication.
Coding change: c.35508dup on transcript NM_001267550.2 (MANE Select); coding-DNA position 35508, one base duplicated (A; older notation c.35508dupA).
Protein change: p.Ser11837fs; shifts the reading frame from serine 11837.
Molecular consequence: frameshift variant. On other transcripts: intron variant (5).
Genome position (GRCh38, 1-based): chr2:178,669,410, T duplicated on the plus strand (A on the coding strand, the reverse complement: TTN is on the minus strand); the first of 5 consecutive T bases (chr2:178,669,410-178,669,414); duplicating any one gives the same sequence. VCF-style (leftmost placement, unchanged base first): chr2-178669409-A-AT. GRCh37 (hg19) VCF-style: chr2-179534136-A-AT.
Other names: c.13283-27093dup (NM_003319.4); c.13859-27093dup (NM_133437.4); c.13658-27093dup (NM_133432.3); c.31483+808dup (NM_133378.4); c.34264+808dup (NM_001256850.1); short protein forms S11837fs.
Identifiers: ClinVar variation 4785445 (VCV004785445.1).
Genomic context (GRCh38, chr2:178,669,409, plus strand): 5'-AACCACTAATTTTTCTACACTCACTGTACATCTCTGTGTCTTCAGAAATAACAATAGGTG[A>AT]TTTTTCTTCTTGAACACTTTTCTTAGGCATCCCAGGAACTTTAAAGATATTAGTATATTA-3'